The following is an entry in ClinVar:

NM_001367721.1(CASK):c.2074C>T (p.Gln692Ter)

Gene: CASK (calcium/calmodulin dependent serine protein kinase; minus strand). Cytogenetic location: Xp11.4.
Variant type: single nucleotide variant.
Coding change: c.2074C>T on transcript NM_001367721.1 (MANE Select); coding-DNA position 2074, C replaced by T.
Protein change: p.Gln692Ter; replaces glutamine 692 with a stop codon.
Molecular consequence: nonsense.
Genome position (GRCh38, 1-based): chrX:41,542,772, G>A on the plus strand (C>T on the coding strand, the complement: CASK is on the minus strand). VCF-style: chrX-41542772-G-A. GRCh37 (hg19) VCF-style: chrX-41402025-G-A.
Other names: c.2005C>T, p.Gln669Ter (NM_001126054.3); c.1987C>T, p.Gln663Ter (NM_001126055.3); c.2056C>T, p.Gln686Ter (NM_001410745.1); c.2074C>T, p.Gln692Ter (NM_003688.4); short protein forms Q692*, Q663*, Q669*, Q686*.
Identifiers: ClinVar variation 158070 (VCV000158070.7), dbSNP rs587783361, ClinGen allele CA251014.

ClinVar aggregate classification (germline): Pathogenic/Likely pathogenic. Review status: criteria provided, multiple submitters, no conflicts (2 of 4 stars). 2 submissions from 2 submitters: Pathogenic (1); Likely pathogenic (1). Last evaluated 2018-12-03.

Conditions:
Syndromic X-linked intellectual disability Najm type (MICPCH). Also called: Intellectual Disability and Microcephaly with Pontine and Cerebellar Hypoplasia; MICPCH SYNDROME; Intellectual developmental disorder and microcephaly with pontine and cerebellar hypoplasia; Mental retardation and microcephaly with pontine and cerebellar hypoplasia; MENTAL RETARDATION, X-LINKED, SYNDROMIC, NAJM TYPE; Intellectual Disability and Microcephaly with Pontine and Cerebellar Hypoplasia (MICPCH). Identifiers: Orphanet 163937, MedGen C2677903, MONDO:0010417, OMIM 300749.

Submissions (2):

Broad Center for Mendelian Genomics, Broad Institute of MIT and Harvard
Classification: Likely pathogenic for Syndromic X-linked intellectual disability Najm type. Last evaluated: 2018-12-03. Review status: criteria provided, single submitter. Criteria: ACMG Guidelines, 2015. Collection method: research. Allele origin: germline. Inheritance: X-linked inheritance. Affected: yes.
Comment: This variant was absent from large population studies. This nonsense variant leads to a premature termination codon at position 692, which is predicted to lead to a truncated or absent protein. Loss of function of the CASK gene is an established disease mechanism in autosomal recessive mental retardation and microcephaly with pontine and cerebellar hypoplasia. In summary, although additional studies are required to fully establish its clinical significance, this variant is likely pathogenic. ACMG/AMP Criteria applied: PM2, PVS1 (Richards 2015).

Genetic Services Laboratory, University of Chicago
Classification: Pathogenic for Mental retardation and microcephaly with pontine and cerebellar hypoplasia. Last evaluated: 2013-02-08. Review status: criteria provided, single submitter. Criteria: ACMG Guidelines, 2007. Collection method: clinical testing. Allele origin: germline. Inheritance: X-linked inheritance. Affected: yes.